The following is an entry in ClinVar:

NM_007294.4(BRCA1):c.3785C>T (p.Ser1262Leu)

Genes: BRCA1 (BRCA1 DNA repair associated; minus strand), LOC126862571 (BRD4-independent group 4 enhancer GRCh37_chr17:41243136-41244335; plus strand). Cytogenetic location: 17q21.31.
Variant type: single nucleotide variant.
Coding change: c.3785C>T on transcript NM_007294.4 (MANE Select); coding-DNA position 3785, C replaced by T.
Protein change: p.Ser1262Leu; replaces serine 1262 with leucine.
Molecular consequence: missense variant. On other transcripts: intron variant (135).
Genome position (GRCh38, 1-based): chr17:43,091,746, G>A on the plus strand (C>T on the coding strand, the complement: BRCA1 is on the minus strand). VCF-style: chr17-43091746-G-A. GRCh37 (hg19) VCF-style: chr17-41243763-G-A.
Other names: c.3644C>T, p.Ser1215Leu (NM_001407751.1, NM_001407752.1, NM_001407850.1 and 29 more transcripts); c.3641C>T, p.Ser1214Leu (NM_001407838.1, NM_001407839.1, NM_001407841.1 and 20 more transcripts); c.3572C>T, p.Ser1191Leu (NM_001407853.1, NM_001407894.1, NM_001407895.1 and 9 more transcripts); c.3785C>T, p.Ser1262Leu (NM_001407854.1, NM_001407858.1, NM_001407859.1 and 30 more transcripts); c.3782C>T, p.Ser1261Leu (NM_001407860.1, NM_001407861.1, NM_001407587.1 and 22 more transcripts); c.3584C>T, p.Ser1195Leu (NM_001407862.1); c.3662C>T, p.Ser1221Leu (NM_001407863.1, NM_001407919.1, NM_001407937.1 and 19 more transcripts); c.3581C>T, p.Ser1194Leu (NM_001407874.1, NM_001407875.1); and 41 more; short protein forms S1262L, S1215L, S1174L, S1191L, S1195L, S1214L, S1235L, S1261L.
Identifiers: ClinVar variation 55007 (VCV000055007.19), dbSNP rs80357269, ClinGen allele CA002441.

ClinVar aggregate classification (germline): Conflicting classifications of pathogenicity. Review status: criteria provided, conflicting classifications (1 of 4 stars). 6 submissions from 6 submitters: Uncertain significance (4); Likely benign (1). 1 of the submissions does not count toward it. Last evaluated 2025-03-14.

Conditions:
Hereditary cancer-predisposing syndrome. Also called: Hereditary Cancer Syndrome; Hereditary neoplastic syndrome; Neoplastic Syndromes, Hereditary; Tumor predisposition. Identifiers: Orphanet 140162, MedGen C0027672, MeSH D009386, MONDO:0015356.
Hereditary breast ovarian cancer syndrome. Also called: BRCA1- and BRCA2-Associated Hereditary Breast and Ovarian Cancer; Hereditary breast and ovarian cancer syndrome; Hereditary breast and ovarian cancer syndrome (HBOC); Breast and ovarian cancer; Hereditary breast and/or ovarian cancer syndrome; Hereditary breast and ovarian cancer. Identifiers: Orphanet 145, MedGen C0677776, MeSH D061325, MONDO:0003582. Disease mechanism: loss of function.
Breast-ovarian cancer, familial, susceptibility to, 1 (BROVCA1). Also called: BRCA1 Hereditary Breast and Ovarian Cancer; OVARIAN CANCER, SUSCEPTIBILITY TO. Identifiers: Orphanet 145, MedGen C2676676, MONDO:0011450, OMIM 604370. Disease mechanism: loss of function.

Allele frequency attached by ClinVar (database versions not stated): gnomAD exomes 0.00001.

Submissions (6):

Ambry Genetics
Classification: Uncertain significance for Hereditary cancer-predisposing syndrome. Last evaluated: 2025-03-14. Review status: criteria provided, single submitter. Criteria: Ambry Variant Classification Scheme 2023. Collection method: clinical testing. Allele origin: germline.
Comment: The p.S1262L variant (also known as c.3785C>T), located in coding exon 9 of the BRCA1 gene, results from a C to T substitution at nucleotide position 3785. The serine at codon 1262 is replaced by leucine, an amino acid with dissimilar properties. This amino acid position is not well conserved in available vertebrate species. In addition, the in silico prediction for this alteration is inconclusive. Based on the available evidence, the clinical significance of this variant remains unclear.

University of Washington Department of Laboratory Medicine, University of Washington
Classification: Likely benign for Hereditary cancer-predisposing syndrome. Last evaluated: 2023-03-23. Review status: criteria provided, single submitter. Criteria: Dines et al. (Genet Med. 2020). Collection method: curation. Allele origin: germline.
Comment: Missense variant in a coldspot region where missense variants are very unlikely to be pathogenic (PMID:31911673).

BRCA1 coldspot (exon 11 using historical exon numbering). Reclassification based on statistical prior probability

Labcorp Genetics (formerly Invitae), Labcorp
Classification: Uncertain significance for Hereditary breast ovarian cancer syndrome. Last evaluated: 2022-09-06. Review status: criteria provided, single submitter. Criteria: Invitae Variant Classification Sherloc (09022015). Collection method: clinical testing. Allele origin: germline.
Comment: In summary, the available evidence is currently insufficient to determine the role of this variant in disease. Therefore, it has been classified as a Variant of Uncertain Significance. Advanced modeling of protein sequence and biophysical properties (such as structural, functional, and spatial information, amino acid conservation, physicochemical variation, residue mobility, and thermodynamic stability) performed at Invitae indicates that this missense variant is not expected to disrupt BRCA1 protein function. ClinVar contains an entry for this variant (Variation ID: 55007). This missense change has been observed in individual(s) with BRCA1-related conditions (PMID: 10923033). This variant is present in population databases (rs80357269, gnomAD 0.01%). This sequence change replaces serine, which is neutral and polar, with leucine, which is neutral and non-polar, at codon 1262 of the BRCA1 protein (p.Ser1262Leu).

GeneDx
Classification: Uncertain significance. Last evaluated: 2019-07-16. Review status: criteria provided, single submitter. Criteria: GeneDx Variant Classification Process June 2021. Collection method: clinical testing. Allele origin: germline. Affected: yes.
Comment: Not observed at a significant frequency in large population cohorts (Lek et al., 2016); In silico analysis, which includes protein predictors and evolutionary conservation, supports that this variant does not alter protein structure/function; Has not been previously published as pathogenic or benign to our knowledge; This variant is associated with the following publications: (PMID: 28706299)

Genetic Services Laboratory, University of Chicago
Classification: Uncertain significance. Last evaluated: 2019-06-04. Review status: criteria provided, single submitter. Criteria: ACMG Guidelines, 2015. Collection method: clinical testing. Allele origin: germline. Affected: no.

Breast Cancer Information Core (BIC) (BRCA1)
Classification: Uncertain significance for Breast-ovarian cancer, familial 1. Last evaluated: 2003-12-23. Review status: no assertion criteria provided. Collection method: clinical testing. Allele origin: germline. Affected: yes. Observed: 1 variant allele. Not counted in ClinVar's aggregate classification.

Literature cited by the submitters: PubMed 10923033 (cited by Labcorp Genetics (formerly Invitae), Labcorp).